The following is an entry in ClinVar:

ClinVar aggregate classification (germline): Uncertain significance. Review status: criteria provided, multiple submitters, no conflicts (2 of 4 stars). 2 submissions from 2 submitters: Uncertain significance (2). Last evaluated 2026-02-22.

Conditions:
Primary ciliary dyskinesia. Also called: Ciliary dyskinesia. Identifiers: Orphanet 244, MedGen C0008780, MONDO:0016575, HP:0012265.
Primary ciliary dyskinesia 3. Identifiers: Orphanet 244, MedGen C1837618, MONDO:0012085, OMIM 608644.

Allele frequency attached by ClinVar (database versions not stated): gnomAD exomes below 0.00001.
gnomAD v4.1: 6 of 1,613,762 alleles (0.00037%); highest among the groups gnomAD compares: Non-Finnish European, 0.00051%; no homozygotes.

Submissions (2):

Ambry Genetics
Classification: Uncertain significance for Primary ciliary dyskinesia. Last evaluated: 2026-02-22. Review status: criteria provided, single submitter. Criteria: Ambry Variant Classification Scheme 2023. Collection method: clinical testing. Allele origin: germline.
Comment: The p.Q1102K variant (also known as c.3304C>A), located in coding exon 22 of the DNAH5 gene, results from a C to A substitution at nucleotide position 3304. The glutamine at codon 1102 is replaced by lysine, an amino acid with similar properties. This amino acid position is conserved. In addition, this alteration is predicted to be tolerated by in silico analysis. Based on the available evidence, the clinical significance of this variant remains unclear.

Illumina Laboratory Services, Illumina
Classification: Uncertain significance for Primary ciliary dyskinesia 3. Last evaluated: 2018-01-13. Review status: criteria provided, single submitter. Criteria: ICSL Variant Classification Criteria 13 December 2019. Collection method: clinical testing. Allele origin: germline.

NM_001369.3(DNAH5):c.3304C>A (p.Gln1102Lys)

Genes: DNAH5 (dynein axonemal heavy chain 5; minus strand), DNAH5-AS1 (DNAH5 antisense RNA 1; plus strand). Cytogenetic location: 5p15.2.
Variant type: single nucleotide variant.
Coding change: c.3304C>A on transcript NM_001369.3 (MANE Select); coding-DNA position 3304, C replaced by A.
Protein change: p.Gln1102Lys; replaces glutamine 1102 with lysine.
Molecular consequence: missense variant.
Genome position (GRCh38, 1-based): chr5:13,876,776, G>T on the plus strand (C>A on the coding strand, the complement: DNAH5 is on the minus strand). VCF-style: chr5-13876776-G-T. GRCh37 (hg19) VCF-style: chr5-13876885-G-T.
Other names: short protein forms Q1102K.
Identifiers: ClinVar variation 904753 (VCV000904753.5), dbSNP rs774143246, ClinGen allele CA3204314.